The following is an entry in ClinVar:

NM_032436.4(CHAMP1):c.515C>G (p.Pro172Arg)

Gene: CHAMP1 (chromosome alignment maintaining phosphoprotein 1; plus strand). Cytogenetic location: 13q34.
Variant type: single nucleotide variant.
Coding change: c.515C>G on transcript NM_032436.4 (MANE Select); coding-DNA position 515, C replaced by G.
Protein change: p.Pro172Arg; replaces proline 172 with arginine.
Molecular consequence: missense variant.
Genome position (GRCh38, 1-based): chr13:114,324,357, C>G. VCF-style: chr13-114324357-C-G. GRCh37 (hg19) VCF-style: chr13-115089832-C-G.
Other names: c.515C>G, p.Pro172Arg (NM_001164144.3, NM_001164145.3); short protein forms P172R.
Identifiers: ClinVar variation 3371997 (VCV003371997.1).

ClinVar aggregate classification (germline): Uncertain significance (1 of 4 stars; one submission).

Submission:

GeneDx
Classification: Uncertain significance. Last evaluated: 2024-04-02. Review status: criteria provided, single submitter. Criteria: GeneDx Variant Classification Process June 2021. Collection method: clinical testing. Allele origin: germline. Affected: yes.
Comment: Not observed at significant frequency in large population cohorts (gnomAD); In silico analysis supports that this missense variant does not alter protein structure/function; Has not been previously published as pathogenic or benign to our knowledge